The following is an entry in ClinVar:

NM_004329.3(BMPR1A):c.143dup (p.Thr49fs)

Gene: BMPR1A (bone morphogenetic protein receptor type 1A; plus strand). Cytogenetic location: 10q23.2.
Variant type: Duplication.
Coding change: c.143dup on transcript NM_004329.3 (MANE Select); coding-DNA position 143, one base duplicated (T; older notation c.143dupT).
Protein change: p.Thr49fs; shifts the reading frame from threonine 49.
Molecular consequence: frameshift variant.
Genome position (GRCh38, 1-based): chr10:86,890,137, T duplicated. VCF-style (leftmost placement, unchanged base first): chr10-86890136-G-GT. GRCh37 (hg19) VCF-style: chr10-88649893-G-GT.
Other names: c.143dupT (NM_004329.2); short protein forms T49fs.
Identifiers: ClinVar variation 422320 (VCV000422320.2), dbSNP rs1554888114, ClinGen allele CA16618997.

ClinVar aggregate classification (germline): Likely pathogenic (1 of 4 stars; one submission).

Submission:

GeneDx
Classification: Likely pathogenic. Last evaluated: 2017-04-07. Review status: criteria provided, single submitter. Criteria: GeneDx Variant Classification (06012015). Collection method: clinical testing. Allele origin: germline. Affected: yes.
Comment: The c.143dupT variant in the BMPR1A gene has been reported previously in at least one individual with multiple adenomatous polyps (Taylor et al., 2015). The duplication causes a frameshift starting with codon Threonine 49, changes this amino acid to an Asparagine residue and creates a premature Stop codon at position 22 of the new reading frame, denoted p.Thr49AsnfsX22. This variant is predicted to cause loss of normal protein function either through protein truncation or nonsense-mediated mRNA decay. Based on currently available evidence. c.143dupT is a strong candidate for a pathogenic variant. However, the possibility it may be a rare benign variant cannot be excluded.